The following is an entry in ClinVar:

NM_001040142.2(SCN2A):c.1729del (p.Leu577fs)

Gene: SCN2A (sodium voltage-gated channel alpha subunit 2; plus strand). Cytogenetic location: 2q24.3.
Variant type: Deletion.
Coding change: c.1729del on transcript NM_001040142.2 (MANE Select); coding-DNA position 1729, one base deleted (C; older notation c.1729delC).
Protein change: p.Leu577fs; shifts the reading frame from leucine 577.
Molecular consequence: frameshift variant.
Genome position (GRCh38, 1-based): chr2:165,323,213, C deleted; the last of 2 consecutive C bases (chr2:165,323,212-165,323,213); deleting either gives the same sequence. VCF-style (leftmost placement, unchanged base first): chr2-165323211-GC-G. GRCh37 (hg19) VCF-style: chr2-166179721-GC-G.
Other names: c.1729del, p.Leu577fs (NM_001040143.2, NM_001371246.1, NM_001371247.1 and 1 more transcripts); short protein forms L577fs.
Identifiers: ClinVar variation 1219256 (VCV001219256.6), dbSNP rs2105276746, ClinGen allele CA2499215158.

ClinVar aggregate classification (germline): Pathogenic. Review status: criteria provided, multiple submitters, no conflicts (2 of 4 stars). 2 submissions from 2 submitters: Pathogenic (2). Last evaluated 2025-09-09.

Conditions:
Developmental and epileptic encephalopathy, 11 (DEE11). Also called: Early infantile epileptic encephalopathy 11. Identifiers: Orphanet 1934, MedGen C3150987, MONDO:0013388, OMIM 613721.
Seizures, benign familial infantile, 3 (BFIS3). Also called: CONVULSIONS, BENIGN FAMILIAL INFANTILE, 3; Familial neonatal seizures. Identifiers: Orphanet 140927, Orphanet 306, MedGen C1843140, MONDO:0011904, OMIM 607745.

Submissions (2):

GeneDx
Classification: Pathogenic. Last evaluated: 2025-09-09. Review status: criteria provided, single submitter. Criteria: GeneDx Variant Classification Process June 2021. Collection method: clinical testing. Allele origin: germline. Affected: yes.
Comment: Frameshift variant predicted to result in protein truncation or nonsense mediated decay in a gene for which loss-of-function is a known mechanism of disease; Not observed in large population cohorts (gnomAD); Has not been previously published as pathogenic or benign to our knowledge

Labcorp Genetics (formerly Invitae), Labcorp
Classification: Pathogenic for Seizures, benign familial infantile, 3; Developmental and epileptic encephalopathy, 11. Last evaluated: 2024-05-10. Review status: criteria provided, single submitter. Criteria: Invitae Variant Classification Sherloc (09022015). Collection method: clinical testing. Allele origin: germline.
Comment: This sequence change creates a premature translational stop signal (p.Leu577Phefs*64) in the SCN2A gene. It is expected to result in an absent or disrupted protein product. Loss-of-function variants in SCN2A are known to be pathogenic (PMID: 28379373). This variant is not present in population databases (gnomAD no frequency). This variant has not been reported in the literature in individuals affected with SCN2A-related conditions. ClinVar contains an entry for this variant (Variation ID: 1219256). For these reasons, this variant has been classified as Pathogenic.

Literature cited by the submitters: PubMed 28379373 (cited by Labcorp Genetics (formerly Invitae), Labcorp).